The following is an entry in ClinVar:

NM_017799.4(TMEM260):c.1411G>A (p.Glu471Lys)

Gene: TMEM260 (transmembrane protein 260; plus strand). Cytogenetic location: 14q22.3.
Variant type: single nucleotide variant.
Coding change: c.1411G>A on transcript NM_017799.4 (MANE Select); coding-DNA position 1411, G replaced by A.
Protein change: p.Glu471Lys; replaces glutamic acid 471 with lysine.
Molecular consequence: missense variant.
Genome position (GRCh38, 1-based): chr14:56,625,394, G>A. VCF-style: chr14-56625394-G-A. GRCh37 (hg19) VCF-style: chr14-57092112-G-A.
Other names: short protein forms E471K.
Identifiers: ClinVar variation 773280 (VCV000773280.21), dbSNP rs113277637, ClinGen allele CA7200079.
Genomic context (GRCh38, chr14:56,625,394, plus strand): 5'-CTAAGAAATATATTAAAAGTCTGACATTATGTGTGACTTTTCTGGCAGATGATGACTTAC[G>A]AGTGGTATTTACCCAAGATGGCAAAGCACTTGCCAGGTGTCAACTTTCCTGGGAACCGGT-3'
Protein context (NP_060269.3, residues 461-481): SLVDQEMMTY[Glu471Lys]WYLPKMAKHL

ClinVar aggregate classification (germline): Benign/Likely benign. Review status: criteria provided, multiple submitters, no conflicts (2 of 4 stars). 5 submissions from 5 submitters: Benign (1); Likely benign (3). 1 of the submissions does not count toward it. Last evaluated 2026-09-01.

Conditions:
TMEM260-related disorder. Also called: TMEM260-related condition.
Structural heart defects and renal anomalies syndrome (SHDRA). Identifiers: Orphanet 689822, MedGen C4479549, MONDO:0044321, OMIM 617478.

Allele frequency attached by ClinVar (database versions not stated): 1000 Genomes Project 0.00379; 1000 Genomes Project 30x 0.00390; gnomAD 0.00639 and 0.00601; TOPMed 0.00656; ESP Exome Variant Server 0.00507.
gnomAD v4.1: 13,525 of 1,613,052 alleles (0.84%); highest among the groups gnomAD compares: Non-Finnish European, 1%; 80 homozygotes.

Submissions (5):

CeGaT Center for Human Genetics Tuebingen
Classification: Benign. Last evaluated: 2026-09-01. Review status: criteria provided, single submitter. Criteria: CeGaT Center For Human Genetics Tuebingen Variant Classification Criteria Version 2. Collection method: clinical testing. Allele origin: germline. Affected: yes. Observed: 2 variant alleles.
Comment: TMEM260: BP4, BS1, BS2

Labcorp Genetics (formerly Invitae), Labcorp
Classification: Likely benign. Last evaluated: 2019-12-31. Review status: criteria provided, single submitter. Criteria: Invitae Variant Classification Sherloc (09022015). Collection method: clinical testing. Allele origin: germline.

Mendelics
Classification: Likely benign for Structural heart defects and renal anomalies syndrome. Last evaluated: 2019-05-28. Review status: criteria provided, single submitter. Criteria: Mendelics Assertion Criteria 2017. Collection method: clinical testing. Allele origin: unknown.

Breakthrough Genomics
Classification: Likely benign. Review status: criteria provided, single submitter. Criteria: ACMG Guidelines, 2015. Collection method: not provided. Allele origin: germline. Inheritance: Autosomal recessive inheritance. Affected: yes.

PreventionGenetics, part of Exact Sciences
Classification: Benign for TMEM260-related condition. Last evaluated: 2019-12-09. Review status: no assertion criteria provided. Collection method: clinical testing. Allele origin: germline. Not counted in ClinVar's aggregate classification.
Comment: This variant is classified as benign based on ACMG/AMP sequence variant interpretation guidelines (Richards et al. 2015 PMID: 25741868, with internal and published modifications).